The following is an entry in ClinVar:

ClinVar aggregate classification (germline): Uncertain significance (1 of 4 stars; one submission).

Conditions:
Charcot-Marie-Tooth disease type 4. Also called: Charcot-Marie-Tooth disease, type IV; Charcot-Marie-Tooth, Type 4. Identifiers: Orphanet 64749, MedGen C4082197, MONDO:0018995.

Submission:

Labcorp Genetics (formerly Invitae), Labcorp
Classification: Uncertain significance for Charcot-Marie-Tooth disease type 4. Last evaluated: 2019-10-24. Review status: criteria provided, single submitter. Criteria: Invitae Variant Classification Sherloc (09022015). Collection method: clinical testing. Allele origin: germline.
Comment: This variant is present in population databases (rs769866540, ExAC 0.006%). This sequence change results in a premature translational stop signal in the MTMR2 gene (p.Glu617Aspfs*3). While this is not anticipated to result in nonsense mediated decay, it is expected to disrupt the last 27 amino acids of the MTMR2 protein. This variant has not been reported in the literature in individuals with MTMR2-related conditions. In summary, the available evidence is currently insufficient to determine the role of this variant in disease. Therefore, it has been classified as a Variant of Uncertain Significance.

NM_016156.6(MTMR2):c.1851_1852del (p.Glu617fs)

Gene: MTMR2 (myotubularin related protein 2; minus strand). Cytogenetic location: 11q21.
Variant type: Microsatellite.
Coding change: c.1851_1852del on transcript NM_016156.6 (MANE Select); coding-DNA positions 1851 to 1852, 2 bases deleted (GA; older notation c.1851_1852delGA).
Protein change: p.Glu617fs; shifts the reading frame from glutamic acid 617.
Molecular consequence: frameshift variant.
Genome position (GRCh38, 1-based): chr11:95,835,370-95,835,371, TC deleted on the plus strand (GA on the coding strand, the reverse complement: MTMR2 is on the minus strand); deleting any 2 consecutive bases within chr11:95,835,370-95,835,378 gives the same sequence; the c. name uses the placement nearest the transcript's 3' end. VCF-style (leftmost placement, unchanged base first): chr11-95835369-ATC-A. GRCh37 (hg19) VCF-style: chr11-95568533-ATC-A.
Other names: c.1635_1636del, p.Glu545fs (NM_001243571.2, NM_201278.3, NM_201281.3); short protein forms E545fs, E617fs.
Identifiers: ClinVar variation 958698 (VCV000958698.6), dbSNP rs769866540, ClinGen allele CA6239840.
Genomic context (GRCh38, chr11:95,835,369, plus strand): 5'-GGAGTGACACACTGTGCAGGAGAGCTGGCTCTCTCTGAGGATGAGGTTGATCGGTTAGAA[ATC>A]TCTCTCTGTAGTTCCTCTACTTTTTTCTGAAGCTCTGCTCGTTTAGCAAGAAGTTCTTTG-3'